The following is an entry in ClinVar:

NM_014989.7(RIMS1):c.*1458A>T

Gene: RIMS1 (regulating synaptic membrane exocytosis 1; plus strand). Cytogenetic location: 6q13.
Variant type: single nucleotide variant.
Coding change: c.*1458A>T on transcript NM_014989.7 (MANE Select); 1458 bases downstream of the stop codon, A replaced by T.
Molecular consequence: 3 prime UTR variant.
Genome position (GRCh38, 1-based): chr6:72,402,172, A>T. VCF-style: chr6-72402172-A-T. GRCh37 (hg19) VCF-style: chr6-73111874-A-T.
Other names: c.*1458A>T (NM_001168407.2, NM_001168408.2, NM_001168409.2 and 60 more transcripts).
Identifiers: ClinVar variation 357885 (VCV000357885.5), dbSNP rs549225918, ClinGen allele CA10627497.

ClinVar aggregate classification (germline): Benign (1 of 4 stars; one submission).

Conditions:
Cone-rod dystrophy 7 (CORD7). Identifiers: Orphanet 1872, MedGen C1863634, MONDO:0011355, OMIM 603649.

Allele frequency attached by ClinVar (database versions not stated): TOPMed 0.00025; 1000 Genomes Project 30x 0.00094; 1000 Genomes Project 0.00479; gnomAD 0.00023 and 0.00025.

Submission:

Illumina Laboratory Services, Illumina
Classification: Benign for Cone-rod dystrophy 7. Last evaluated: 2018-01-13. Review status: criteria provided, single submitter. Criteria: ICSL Variant Classification Criteria 13 December 2019. Collection method: clinical testing. Allele origin: germline.
Comment: This variant was observed in the ICSL laboratory as part of a predisposition screen in an ostensibly healthy population. It had not been previously curated by ICSL or reported in the Human Gene Mutation Database (HGMD: prior to June 1st, 2018), and was therefore a candidate for classification through an automated scoring system. Utilizing variant allele frequency, disease prevalence and penetrance estimates, and inheritance mode, an automated score was calculated to assess if this variant is too frequent to cause the disease. Based on the score and internal cut-off values, a variant classified as benign is not then subjected to further curation. The score for this variant resulted in a classification of benign for this disease.